The following is an entry in ClinVar:

NM_020366.4(RPGRIP1):c.403A>G (p.Ser135Gly)

Gene: RPGRIP1 (RPGR interacting protein 1; plus strand). Cytogenetic location: 14q11.2.
Variant type: single nucleotide variant.
Coding change: c.403A>G on transcript NM_020366.4 (MANE Select); coding-DNA position 403, A replaced by G.
Protein change: p.Ser135Gly; replaces serine 135 with glycine.
Molecular consequence: missense variant.
Genome position (GRCh38, 1-based): chr14:21,301,150, A>G. VCF-style: chr14-21301150-A-G. GRCh37 (hg19) VCF-style: chr14-21769309-A-G.
Other names: short protein forms S135G.
Identifiers: ClinVar variation 2414455 (VCV002414455.5), dbSNP rs1267163203, ClinGen allele CA388859178.

ClinVar aggregate classification (germline): Uncertain significance (1 of 4 stars; one submission).

Conditions:
Leber congenital amaurosis 6 (LCA6). Identifiers: Orphanet 65, MedGen C1854260, MONDO:0013446, OMIM 613826.
Cone-rod dystrophy 13 (CORD13). Identifiers: Orphanet 1872, MedGen C2750720, MONDO:0011987, OMIM 608194.

Allele frequency attached by ClinVar (database versions not stated): TOPMed below 0.00001; gnomAD exomes 0.00001.
gnomAD v4.1: 14 of 1,594,314 alleles (0.00088%); highest among the groups gnomAD compares: Admixed American, 0.0018%; no homozygotes.

Submission:

Labcorp Genetics (formerly Invitae), Labcorp
Classification: Uncertain significance for Leber congenital amaurosis 6; Cone-rod dystrophy 13. Last evaluated: 2022-01-14. Review status: criteria provided, single submitter. Criteria: Invitae Variant Classification Sherloc (09022015). Collection method: clinical testing. Allele origin: germline.
Comment: In summary, the available evidence is currently insufficient to determine the role of this variant in disease. Therefore, it has been classified as a Variant of Uncertain Significance. Algorithms developed to predict the effect of missense changes on protein structure and function output the following: SIFT: "Tolerated"; PolyPhen-2: "Benign"; Align-GVGD: "Class C0". The glycine amino acid residue is found in multiple mammalian species, which suggests that this missense change does not adversely affect protein function. This variant has not been reported in the literature in individuals affected with RPGRIP1-related conditions. The frequency data for this variant in the population databases is considered unreliable, as metrics indicate poor data quality at this position in the gnomAD database. This sequence change replaces serine, which is neutral and polar, with glycine, which is neutral and non-polar, at codon 135 of the RPGRIP1 protein (p.Ser135Gly).